The following is an entry in ClinVar:

ClinVar aggregate classification (germline): Uncertain significance. Review status: criteria provided, multiple submitters, no conflicts (2 of 4 stars). 7 submissions from 7 submitters: Uncertain significance (7). Last evaluated 2025-11-13.

Conditions:
Hereditary cancer-predisposing syndrome. Also called: Neoplastic Syndromes, Hereditary; Tumor predisposition; Hereditary Cancer Syndrome; Hereditary neoplastic syndrome. Identifiers: Orphanet 140162, MedGen C0027672, MeSH D009386, MONDO:0015356.
Endometrial carcinoma. Also called: Endometrial carcinoma, somatic. Identifiers: MedGen C0476089, MONDO:0002447, OMIM 608089, HP:0012114.
Familial adenomatous polyposis 4 (FAP4). Also called: MSH3-related attenuated familial adenomatous polyposis. Identifiers: Orphanet 480536, MedGen C4310719, MONDO:0044300, OMIM 617100.

Allele frequency attached by ClinVar (database versions not stated): gnomAD 0.00001 and 0.00002; gnomAD exomes 0.00004; ExAC 0.00005; TOPMed 0.00005.
gnomAD v4.1: 32 of 1,595,552 alleles (0.002%); highest among the groups gnomAD compares: Admixed American, 0.017%; no homozygotes.

Submissions (7):

Labcorp Genetics (formerly Invitae), Labcorp
Classification: Uncertain significance. Last evaluated: 2025-11-13. Review status: criteria provided, single submitter. Criteria: Invitae Variant Classification Sherloc (09022015). Collection method: clinical testing. Allele origin: germline.
Comment: This sequence change replaces glycine, which is neutral and non-polar, with valine, which is neutral and non-polar, at codon 491 of the MSH3 protein (p.Gly491Val). This variant is present in population databases (rs749116282, gnomAD 0.02%). This variant has not been reported in the literature in individuals affected with MSH3-related conditions. ClinVar contains an entry for this variant (Variation ID: 649157). An algorithm developed to predict the effect of missense changes on protein structure and function outputs the following: PolyPhen-2: "Benign". The valine amino acid residue is found in multiple mammalian species, which suggests that this missense change does not adversely affect protein function. In summary, the available evidence is currently insufficient to determine the role of this variant in disease. Therefore, it has been classified as a Variant of Uncertain Significance.

Ambry Genetics
Classification: Uncertain significance for Hereditary cancer-predisposing syndrome. Last evaluated: 2025-11-03. Review status: criteria provided, single submitter. Criteria: Ambry Variant Classification Scheme 2023. Collection method: clinical testing. Allele origin: germline.
Comment: The p.G491V variant (also known as c.1472G>T), located in coding exon 10 of the MSH3 gene, results from a G to T substitution at nucleotide position 1472. The glycine at codon 491 is replaced by valine, an amino acid with dissimilar properties. This amino acid position is not well conserved in available vertebrate species. In addition, this alteration is predicted to be tolerated by in silico analysis. Since supporting evidence is limited at this time, the clinical significance of this alteration remains unclear.

GeneDx
Classification: Uncertain significance. Last evaluated: 2024-05-20. Review status: criteria provided, single submitter. Criteria: GeneDx Variant Classification Process June 2021. Collection method: clinical testing. Allele origin: germline. Affected: yes.
Comment: In silico analysis indicates that this missense variant does not alter protein structure/function; Observed in an individual with breast cancer (PMID: 35980532); This variant is associated with the following publications: (PMID: 35980532)

Fulgent Genetics
Classification: Uncertain significance for Endometrial carcinoma; Familial adenomatous polyposis 4. Last evaluated: 2024-03-22. Review status: criteria provided, single submitter. Criteria: ACMG Guidelines, 2015. Collection method: clinical testing. Allele origin: germline.

Baylor Genetics
Classification: Uncertain significance for Endometrial carcinoma. Last evaluated: 2023-10-22. Review status: criteria provided, single submitter. Criteria: ACMG Guidelines, 2015. Collection method: clinical testing. Allele origin: unknown.

Quest Diagnostics Nichols Institute San Juan Capistrano
Classification: Uncertain significance. Last evaluated: 2022-12-08. Review status: criteria provided, single submitter. Criteria: Quest Diagnostics criteria. Collection method: clinical testing. Allele origin: unknown.
Comment: The variant has not been reported in the published literature. The frequency of this variant in the general population, 0.0002 (7/34492 chromosomes), is uninformative in assessment of its pathogenicity. Analysis of this variant using bioinformatics tools for the prediction of the effect of amino acid changes on protein structure and function yielded predictions that this variant is benign. Based on the available information, we are unable to determine the clinical significance of this variant.

Sema4
Classification: Uncertain significance for Hereditary cancer-predisposing syndrome. Last evaluated: 2021-09-24. Review status: criteria provided, single submitter. Criteria: Sema4 Curation Guidelines. Collection method: curation. Allele origin: germline.
Comment: The MSH3 c.1472G>T (p.G491V) variant has not been reported in the literature to our knowledge. It was observed in 7/34492 chromosomes of the Latino subpopulation in the large and broad cohorts of the Genome Aggregation Database (PMID: 32461654), and has been reported in ClinVar (Variation ID 649157). Functional studies have not been performed, and in silico predictions of the variant's effect on protein function are inconclusive. The evidence is insufficient to meet ACMG/AMP criteria for classifying the variant as benign or pathogenic. Thus, the clinical significance of this variant is currently uncertain.

NM_002439.5(MSH3):c.1472G>T (p.Gly491Val)

Gene: MSH3 (mutS homolog 3; plus strand). Cytogenetic location: 5q14.1.
Variant type: single nucleotide variant.
Coding change: c.1472G>T on transcript NM_002439.5 (MANE Select); coding-DNA position 1472, G replaced by T.
Protein change: p.Gly491Val; replaces glycine 491 with valine.
Molecular consequence: missense variant.
Genome position (GRCh38, 1-based): chr5:80,728,869, G>T. VCF-style: chr5-80728869-G-T. GRCh37 (hg19) VCF-style: chr5-80024688-G-T.
Other names: short protein forms G491V.
Identifiers: ClinVar variation 649157 (VCV000649157.19), dbSNP rs749116282, ClinGen allele CA3327934.